The following is an entry in ClinVar:

NC_000002.11:g.(?_26505693)_(26508459_?)del

Gene: HADHB (hydroxyacyl-CoA dehydrogenase trifunctional multienzyme complex subunit beta; plus strand). Cytogenetic location: 2p23.3.
Variant type: Deletion.
Identifiers: ClinVar variation 3247333 (VCV003247333.1).

ClinVar aggregate classification (germline): Pathogenic (1 of 4 stars; one submission).

Conditions:
Mitochondrial trifunctional protein deficiency. Identifiers: Orphanet 746, MedGen C1969443, MONDO:0012172.

Submission:

Labcorp Genetics (formerly Invitae), Labcorp
Classification: Pathogenic for Mitochondrial trifunctional protein deficiency. Last evaluated: 2023-12-08. Review status: criteria provided, single submitter. Criteria: Invitae Variant Classification Sherloc (09022015). Collection method: clinical testing. Allele origin: unknown.
Comment: This variant is a gross deletion of the genomic region encompassing exon(s) 11-15 of the HADHB gene. This variant would be expected to be in-frame, preserving the integrity of the reading frame. This variant has not been reported in the literature in individuals affected with HADHB-related conditions. This variant disrupts a region of the HADHB protein in which other variant(s) (p.Pro333Leu) have been determined to be pathogenic (PMID: 35433169). This suggests that this is a clinically significant region of the protein, and that variants that disrupt it are likely to be disease-causing. For these reasons, this variant has been classified as Pathogenic.

Literature cited by the submitters: PubMed 35433169.